The following is an entry in ClinVar:

NM_199420.4(POLQ):c.168A>T (p.Glu56Asp)

Gene: POLQ (DNA polymerase theta; minus strand). Cytogenetic location: 3q13.33.
Variant type: single nucleotide variant.
Coding change: c.168A>T on transcript NM_199420.4 (MANE Select); coding-DNA position 168, A replaced by T.
Protein change: p.Glu56Asp; replaces glutamic acid 56 with aspartic acid.
Molecular consequence: missense variant.
Genome position (GRCh38, 1-based): chr3:121,544,902, T>A on the plus strand (A>T on the coding strand, the complement: POLQ is on the minus strand). VCF-style: chr3-121544902-T-A. GRCh37 (hg19) VCF-style: chr3-121263749-T-A.
Other names: short protein forms E56D.
Identifiers: ClinVar variation 3229853 (VCV003229853.1), dbSNP rs2546828043, ClinGen allele CA354095105.

ClinVar aggregate classification (germline): Uncertain significance (1 of 4 stars; one submission).

Submission:

Ambry Genetics
Classification: Uncertain significance. Last evaluated: 2024-02-25. Review status: criteria provided, single submitter. Criteria: Ambry Variant Classification Scheme 2023. Collection method: clinical testing. Allele origin: germline.
Comment: The p.E56D variant (also known as c.168A>T), located in coding exon 2 of the POLQ gene, results from an A to T substitution at nucleotide position 168. The glutamic acid at codon 56 is replaced by aspartic acid, an amino acid with highly similar properties. This amino acid position is conserved. In addition, this alteration is predicted to be tolerated by in silico analysis. Based on the available evidence, the clinical significance of this alteration remains unclear.